The following is an entry in ClinVar:

ClinVar aggregate classification (germline): Uncertain significance (1 of 4 stars; one submission).

Conditions:
Bloom syndrome (BLM). Also called: Bloom-Torre-Machacek syndrome. Identifiers: Orphanet 125, MedGen C0005859, MONDO:0008876, OMIM 210900.

Submission:

Labcorp Genetics (formerly Invitae), Labcorp
Classification: Uncertain significance for Bloom syndrome. Last evaluated: 2023-11-05. Review status: criteria provided, single submitter. Criteria: Invitae Variant Classification Sherloc (09022015). Collection method: clinical testing. Allele origin: germline.
Comment: This sequence change replaces glutamic acid, which is acidic and polar, with valine, which is neutral and non-polar, at codon 245 of the BLM protein (p.Glu245Val). This variant is not present in population databases (gnomAD no frequency). This variant has not been reported in the literature in individuals affected with BLM-related conditions. An algorithm developed to predict the effect of missense changes on protein structure and function (PolyPhen-2) suggests that this variant is likely to be tolerated. In summary, the available evidence is currently insufficient to determine the role of this variant in disease. Therefore, it has been classified as a Variant of Uncertain Significance.

NM_000057.4(BLM):c.734A>T (p.Glu245Val)

Gene: BLM (BLM RecQ like helicase; plus strand). Cytogenetic location: 15q26.1.
Variant type: single nucleotide variant.
Coding change: c.734A>T on transcript NM_000057.4 (MANE Select); coding-DNA position 734, A replaced by T.
Protein change: p.Glu245Val; replaces glutamic acid 245 with valine.
Molecular consequence: missense variant. On other transcripts: 5 prime UTR variant (1).
Genome position (GRCh38, 1-based): chr15:90,750,002, A>T. VCF-style: chr15-90750002-A-T. GRCh37 (hg19) VCF-style: chr15-91293232-A-T.
Other names: c.734A>T, p.Glu245Val (NM_001287246.2, NM_001287247.2); c.-558A>T (NM_001287248.2); short protein forms E245V.
Identifiers: ClinVar variation 2693374 (VCV002693374.3), dbSNP rs2505394717, ClinGen allele CA393841439.